The following is an entry in ClinVar:

ClinVar aggregate classification (germline): Uncertain significance (1 of 4 stars; one submission).

gnomAD v4.1: 7 of 1,613,914 alleles (0.00043%); highest among the groups gnomAD compares: South Asian, 0.0033%; no homozygotes.

Submission:

Labcorp Genetics (formerly Invitae), Labcorp
Classification: Uncertain significance. Last evaluated: 2022-04-08. Review status: criteria provided, single submitter. Criteria: Invitae Variant Classification Sherloc (09022015). Collection method: clinical testing. Allele origin: germline.
Comment: In summary, the available evidence is currently insufficient to determine the role of this variant in disease. Therefore, it has been classified as a Variant of Uncertain Significance. Algorithms developed to predict the effect of missense changes on protein structure and function (SIFT, PolyPhen-2, Align-GVGD) all suggest that this variant is likely to be disruptive. ClinVar contains an entry for this variant (Variation ID: 971395). This variant has not been reported in the literature in individuals affected with COL9A1-related conditions. This variant is present in population databases (rs774226488, gnomAD 0.006%). This sequence change replaces glycine, which is neutral and non-polar, with arginine, which is basic and polar, at codon 502 of the COL9A1 protein (p.Gly502Arg).

NM_001851.6(COL9A1):c.1504G>C (p.Gly502Arg)

Gene: COL9A1 (collagen type IX alpha 1 chain; minus strand). Cytogenetic location: 6q13.
Variant type: single nucleotide variant.
Coding change: c.1504G>C on transcript NM_001851.6 (MANE Select); coding-DNA position 1504, G replaced by C.
Protein change: p.Gly502Arg; replaces glycine 502 with arginine.
Molecular consequence: missense variant. On other transcripts: non-coding transcript variant (1).
Genome position (GRCh38, 1-based): chr6:70,255,390, C>G on the plus strand (G>C on the coding strand, the complement: COL9A1 is on the minus strand). VCF-style: chr6-70255390-C-G. GRCh37 (hg19) VCF-style: chr6-70965093-C-G.
Other names: c.775G>C, p.Gly259Arg (NM_001377289.1, NM_001377290.1, NM_078485.4); short protein forms G502R, G259R.
Identifiers: ClinVar variation 971395 (VCV000971395.9), dbSNP rs774226488, ClinGen allele CA3882154.